The following is an entry in ClinVar:

NM_006922.4(SCN3A):c.5792C>T (p.Ala1931Val)

Gene: SCN3A (sodium voltage-gated channel alpha subunit 3; minus strand). Cytogenetic location: 2q24.3.
Variant type: single nucleotide variant.
Coding change: c.5792C>T on transcript NM_006922.4 (MANE Select); coding-DNA position 5792, C replaced by T.
Protein change: p.Ala1931Val; replaces alanine 1931 with valine.
Molecular consequence: missense variant.
Genome position (GRCh38, 1-based): chr2:165,090,361, G>A on the plus strand (C>T on the coding strand, the complement: SCN3A is on the minus strand). VCF-style: chr2-165090361-G-A. GRCh37 (hg19) VCF-style: chr2-165946871-G-A.
Other names: c.5645C>T, p.Ala1882Val (NM_001081676.2, NM_001081677.2); short protein forms A1882V, A1931V.
Identifiers: ClinVar variation 1806724 (VCV001806724.3), dbSNP rs762239762, ClinGen allele CA1938354.

ClinVar aggregate classification (germline): Uncertain significance. Review status: criteria provided, multiple submitters, no conflicts (2 of 4 stars). 2 submissions from 2 submitters: Uncertain significance (2). Last evaluated 2024-05-06.

Allele frequency attached by ClinVar (database versions not stated): ExAC 0.00001; gnomAD exomes 0.00001.
gnomAD v4.1: 20 of 1,612,606 alleles (0.0012%); highest among the groups gnomAD compares: Non-Finnish European, 0.0017%; no homozygotes.

Submissions (2):

Labcorp Genetics (formerly Invitae), Labcorp
Classification: Uncertain significance. Last evaluated: 2024-05-06. Review status: criteria provided, single submitter. Criteria: Invitae Variant Classification Sherloc (09022015). Collection method: clinical testing. Allele origin: germline.
Comment: This sequence change replaces alanine, which is neutral and non-polar, with valine, which is neutral and non-polar, at codon 1931 of the SCN3A protein (p.Ala1931Val). This variant is present in population databases (rs762239762, gnomAD 0.0009%). This variant has not been reported in the literature in individuals affected with SCN3A-related conditions. ClinVar contains an entry for this variant (Variation ID: 1806724). Advanced modeling of protein sequence and biophysical properties (such as structural, functional, and spatial information, amino acid conservation, physicochemical variation, residue mobility, and thermodynamic stability) performed at Invitae indicates that this missense variant is not expected to disrupt SCN3A protein function with a negative predictive value of 95%. In summary, the available evidence is currently insufficient to determine the role of this variant in disease. Therefore, it has been classified as a Variant of Uncertain Significance.

GeneDx
Classification: Uncertain significance. Last evaluated: 2022-06-23. Review status: criteria provided, single submitter. Criteria: GeneDx Variant Classification Process June 2021. Collection method: clinical testing. Allele origin: germline. Affected: yes.
Comment: In silico analysis supports that this missense variant does not alter protein structure/function; Has not been previously published as pathogenic or benign to our knowledge